The following is an entry in ClinVar:

ClinVar aggregate classification (germline): Uncertain significance (1 of 4 stars; one submission).

Conditions:
Familial focal epilepsy with variable foci (FPEVF). Identifiers: Orphanet 98820, MedGen C1858477, MONDO:0020310.

Submission:

Labcorp Genetics (formerly Invitae), Labcorp
Classification: Uncertain significance for Familial focal epilepsy with variable foci. Last evaluated: 2022-11-09. Review status: criteria provided, single submitter. Criteria: Invitae Variant Classification Sherloc (09022015). Collection method: clinical testing. Allele origin: germline.
Comment: This sequence change replaces leucine, which is neutral and non-polar, with valine, which is neutral and non-polar, at codon 478 of the DEPDC5 protein (p.Leu478Val). This variant is not present in population databases (gnomAD no frequency). This variant has not been reported in the literature in individuals affected with DEPDC5-related conditions. Algorithms developed to predict the effect of missense changes on protein structure and function are either unavailable or do not agree on the potential impact of this missense change (SIFT: "Tolerated"; PolyPhen-2: "Not Available"; Align-GVGD: "Class C0"). Algorithms developed to predict the effect of sequence changes on RNA splicing suggest that this variant may create or strengthen a splice site. In summary, the available evidence is currently insufficient to determine the role of this variant in disease. Therefore, it has been classified as a Variant of Uncertain Significance.

NM_001242896.3(DEPDC5):c.1432C>G (p.Leu478Val)

Gene: DEPDC5 (DEP domain containing 5, GATOR1 subcomplex subunit; plus strand). Cytogenetic location: 22q12.3.
Variant type: single nucleotide variant.
Coding change: c.1432C>G on transcript NM_001242896.3 (MANE Select); coding-DNA position 1432, C replaced by G.
Protein change: p.Leu478Val; replaces leucine 478 with valine.
Molecular consequence: missense variant. On other transcripts: non-coding transcript variant (5).
Genome position (GRCh38, 1-based): chr22:31,810,628, C>G. VCF-style: chr22-31810628-C-G. GRCh37 (hg19) VCF-style: chr22-32206614-C-G.
Other names: c.1432C>G, p.Leu478Val (NM_001007188.4, NM_001136029.4, NM_001242897.2 and 7 more transcripts); c.1348C>G, p.Leu450Val (NM_001369901.1, NM_001369902.1); short protein forms L478V, L450V.
Identifiers: ClinVar variation 2812602 (VCV002812602.3), dbSNP rs2519103591, ClinGen allele CA411277034.